The following is an entry in ClinVar:

NM_002449.5(MSX2):c.197C>G (p.Pro66Arg)

Gene: MSX2 (msh homeobox 2; plus strand). Cytogenetic location: 5q35.2.
Variant type: single nucleotide variant.
Coding change: c.197C>G on transcript NM_002449.5 (MANE Select); coding-DNA position 197, C replaced by G.
Protein change: p.Pro66Arg; replaces proline 66 with arginine.
Molecular consequence: missense variant.
Genome position (GRCh38, 1-based): chr5:174,724,856, C>G. VCF-style: chr5-174724856-C-G. GRCh37 (hg19) VCF-style: chr5-174151859-C-G.
Other names: c.197C>G, p.Pro66Arg (NM_001363626.2); short protein forms P66R.
Identifiers: ClinVar variation 2889152 (VCV002889152.3), dbSNP rs527786984, ClinGen allele CA3565109.

ClinVar aggregate classification (germline): Uncertain significance (1 of 4 stars; one submission).

Conditions:
Cranium bifidum occultum. Also called: Enlarged Parietal Foramina; CRANIUM BIFIDUM, HEREDITARY; CATLIN MARKS. Identifiers: MedGen C1868598, HP:0004423.

Allele frequency attached by ClinVar (database versions not stated): ExAC 0.00016; 1000 Genomes Project 0.00020; 1000 Genomes Project 30x 0.00031.

Submission:

Labcorp Genetics (formerly Invitae), Labcorp
Classification: Uncertain significance for Cranium bifidum occultum. Last evaluated: 2025-12-23. Review status: criteria provided, single submitter. Criteria: Invitae Variant Classification Sherloc (09022015). Collection method: clinical testing. Allele origin: germline.
Comment: This sequence change replaces proline, which is neutral and non-polar, with arginine, which is basic and polar, at codon 66 of the MSX2 protein (p.Pro66Arg). This variant is present in population databases (rs527786984, gnomAD 0.05%). This variant has not been reported in the literature in individuals affected with MSX2-related conditions. ClinVar contains an entry for this variant (Variation ID: 2889152). Invitae Evidence Modeling of protein sequence and biophysical properties (such as structural, functional, and spatial information, amino acid conservation, physicochemical variation, residue mobility, and thermodynamic stability) indicates that this missense variant is not expected to disrupt MSX2 protein function with a negative predictive value of 80%. In summary, the available evidence is currently insufficient to determine the role of this variant in disease. Therefore, it has been classified as a Variant of Uncertain Significance.